The following is an entry in ClinVar:

ClinVar aggregate classification (germline): Uncertain significance (1 of 4 stars; one submission).

Allele frequency attached by ClinVar (database versions not stated): gnomAD exomes below 0.00001; gnomAD 0.00001; TOPMed 0.00001.
gnomAD v4.1: 3 of 1,613,992 alleles (0.00019%); highest among the groups gnomAD compares: African/African-American, 0.004%; no homozygotes.

Submission:

GeneDx
Classification: Uncertain significance. Last evaluated: 2017-12-13. Review status: criteria provided, single submitter. Criteria: GeneDx Variant Classification (06012015). Collection method: clinical testing. Allele origin: germline. Affected: yes.
Comment: The c.799+5G>A variant in the ALDOB gene has not been reported previously as a pathogenic variant nor as a benign variant, to our knowledge. This variant reduces the quality of the splice donor site in intron 7, and is expected to cause abnormal gene splicing. The c.799+5G>A variant is not observed in large population cohorts (Lek et al., 2016). We interpret c.799+5G>A as a variant of uncertain significance.

NM_000035.4(ALDOB):c.799+5G>A

Gene: ALDOB (aldolase, fructose-bisphosphate B; minus strand). Cytogenetic location: 9q31.1.
Variant type: single nucleotide variant.
Coding change: c.799+5G>A on transcript NM_000035.4 (MANE Select); 5 bases into the intron after coding-DNA position 799, G replaced by A.
Molecular consequence: intron variant.
Genome position (GRCh38, 1-based): chr9:101,425,448, C>T on the plus strand (G>A on the coding strand, the complement: ALDOB is on the minus strand). VCF-style: chr9-101425448-C-T. GRCh37 (hg19) VCF-style: chr9-104187730-C-T.
Other names: c.799+5G>A (LRG_1244t1).
Identifiers: ClinVar variation 489235 (VCV000489235.2), dbSNP rs922806049, ClinGen allele CA196956743.